The following is an entry in ClinVar:

ClinVar aggregate classification (germline): Uncertain significance (1 of 4 stars; one submission).

Conditions:
Atrial fibrillation, familial, 6 (ATFB6). Identifiers: MedGen C2677294, MONDO:0012816, OMIM 612201.

Submission:

Labcorp Genetics (formerly Invitae), Labcorp
Classification: Uncertain significance for Atrial fibrillation, familial, 6. Last evaluated: 2024-12-27. Review status: criteria provided, single submitter. Criteria: Invitae Variant Classification Sherloc (09022015). Collection method: clinical testing. Allele origin: germline.
Comment: This sequence change replaces phenylalanine, which is neutral and non-polar, with leucine, which is neutral and non-polar, at codon 149 of the NPPA protein (p.Phe149Leu). This variant is not present in population databases (gnomAD no frequency). This variant has not been reported in the literature in individuals affected with NPPA-related conditions. An algorithm developed to predict the effect of missense changes on protein structure and function (PolyPhen-2) suggests that this variant is likely to be disruptive. In summary, the available evidence is currently insufficient to determine the role of this variant in disease. Therefore, it has been classified as a Variant of Uncertain Significance.

NM_006172.4(NPPA):c.445T>C (p.Phe149Leu)

Genes: NPPA (natriuretic peptide A; minus strand), NPPA-AS1 (NPPA antisense RNA 1; plus strand), LOC114827827 (VISTA enhancer hs2123; plus strand). Cytogenetic location: 1p36.22.
Variant type: single nucleotide variant.
Coding change: c.445T>C on transcript NM_006172.4 (MANE Select); coding-DNA position 445, T replaced by C.
Protein change: p.Phe149Leu; replaces phenylalanine 149 with leucine.
Molecular consequence: missense variant.
Genome position (GRCh38, 1-based): chr1:11,847,118, A>G on the plus strand (T>C on the coding strand, the complement: NPPA is on the minus strand). VCF-style: chr1-11847118-A-G. GRCh37 (hg19) VCF-style: chr1-11907175-A-G.
Other names: short protein forms F149L.
Identifiers: ClinVar variation 3663185 (VCV003663185.2).